The following is an entry in ClinVar:

NM_004380.3(CREBBP):c.1756A>G (p.Thr586Ala)

Gene: CREBBP (CREB binding lysine acetyltransferase; minus strand). Cytogenetic location: 16p13.3.
Variant type: single nucleotide variant.
Coding change: c.1756A>G on transcript NM_004380.3 (MANE Select); coding-DNA position 1756, A replaced by G.
Protein change: p.Thr586Ala; replaces threonine 586 with alanine.
Molecular consequence: missense variant.
Genome position (GRCh38, 1-based): chr16:3,780,799, T>C on the plus strand (A>G on the coding strand, the complement: CREBBP is on the minus strand). VCF-style: chr16-3780799-T-C. GRCh37 (hg19) VCF-style: chr16-3830800-T-C.
Other names: c.1642A>G, p.Thr548Ala (NM_001079846.1); c.1756A>G (NM_004380.2); short protein forms T548A, T586A.
Identifiers: ClinVar variation 2440556 (VCV002440556.5), dbSNP rs2053256106, ClinGen allele CA394556580.

ClinVar aggregate classification (germline): Uncertain significance. Review status: criteria provided, multiple submitters, no conflicts (2 of 4 stars). 3 submissions from 3 submitters: Uncertain significance (3). Last evaluated 2025-05-13.

Conditions:
CREBBP-related disorder. Also called: CREBBP-related condition; CREBBP-related disorders.
Rubinstein-Taybi syndrome due to CREBBP mutations (RSTS1). Also called: RUBINSTEIN SYNDROME; RUBINSTEIN-TAYBI SYNDROME 1, INCOMPLETE; BROAD THUMBS AND GREAT TOES, CHARACTERISTIC FACIES, AND IMPAIRED INTELLECTUAL DEVELOPMENT; CREBBP-Related Rubinstein-Taybi Syndrome; BROAD THUMB-HALLUX SYNDROME; Rubinstein-Taybi syndrome 1. Identifiers: Orphanet 353277, Orphanet 783, MedGen C4551859, MONDO:0008393, OMIM 180849.
Menke-Hennekam syndrome 1 (MKHK1). Identifiers: MedGen C5193034, MONDO:0020763, OMIM 618332.

Allele frequency attached by ClinVar (database versions not stated): gnomAD exomes below 0.00001.
gnomAD v4.1: 2 of 1,613,996 alleles (0.00012%); highest among the groups gnomAD compares: Non-Finnish European, 0.00017%; no homozygotes.

Submissions (3):

PreventionGenetics, part of Exact Sciences
Classification: Uncertain significance for CREBBP-related condition. Last evaluated: 2025-05-13. Review status: criteria provided, single submitter. Criteria: ACMG Guidelines, 2015. Collection method: clinical testing. Allele origin: germline.
Comment: The CREBBP c.1756A>G variant is predicted to result in the amino acid substitution p.Thr586Ala. To our knowledge, this variant has not been reported in the literature or in a large population database (gnomAD), indicating this variant is rare. At this time, the clinical significance of this variant is uncertain due to the absence of conclusive functional and genetic evidence.

Fulgent Genetics
Classification: Uncertain significance for Rubinstein-Taybi syndrome due to CREBBP mutations; Menke-Hennekam syndrome 1. Last evaluated: 2024-05-07. Review status: criteria provided, single submitter. Criteria: ACMG Guidelines, 2015. Collection method: clinical testing. Allele origin: germline.

Revvity Omics, Revvity
Classification: Uncertain significance. Last evaluated: 2021-11-25. Review status: criteria provided, single submitter. Criteria: ACMG Guidelines, 2015. Collection method: clinical testing. Allele origin: germline.